The following is an entry in ClinVar:

NM_005902.4(SMAD3):c.401T>C (p.Val134Ala)

Gene: SMAD3 (SMAD family member 3; plus strand). Cytogenetic location: 15q22.33.
Variant type: single nucleotide variant.
Coding change: c.401T>C on transcript NM_005902.4 (MANE Select); coding-DNA position 401, T replaced by C.
Protein change: p.Val134Ala; replaces valine 134 with alanine.
Molecular consequence: missense variant.
Genome position (GRCh38, 1-based): chr15:67,165,253, T>C. VCF-style: chr15-67165253-T-C. GRCh37 (hg19) VCF-style: chr15-67457591-T-C.
Other names: p.V134A:GTT>GCT; c.86T>C, p.Val29Ala (NM_001145102.2); c.269T>C, p.Val90Ala (NM_001145103.2); short protein forms V134A, V29A, V90A.
Identifiers: ClinVar variation 213804 (VCV000213804.12), dbSNP rs863223767, ClinGen allele CA321543.

ClinVar aggregate classification (germline): Uncertain significance. Review status: criteria provided, multiple submitters, no conflicts (2 of 4 stars). 7 submissions from 7 submitters: Uncertain significance (5). 2 of the submissions do not count toward it. Last evaluated 2026-07-23.

Conditions:
Aneurysm-osteoarthritis syndrome. Also called: Loeys-Dietz syndrome, type 1C; LOEYS-DIETZ SYNDROME WITH OSTEOARTHRITIS; SMAD3-Related Loeys-Dietz Syndrome; ANEURYSMS-OSTEOARTHRITIS SYNDROME. Identifiers: Orphanet 284984, MedGen C3151087, MONDO:0013426, OMIM 613795.
Familial thoracic aortic aneurysm and aortic dissection (TAAD). Also called: Thoracic aortic aneurysms and dissections. Identifiers: Orphanet 91387, MedGen C4707243, MONDO:0019625.

Allele frequency attached by ClinVar (database versions not stated): gnomAD exomes 0.00001 and below 0.00001.
gnomAD v4.1: 8 of 1,614,078 alleles (0.0005%); highest among the groups gnomAD compares: Non-Finnish European, 0.00059%; no homozygotes.

Submissions (7):

GeneDx
Classification: Uncertain significance. Last evaluated: 2026-07-23. Review status: criteria provided, single submitter. Criteria: GeneDx Variant Classification Process June 2021. Collection method: clinical testing. Allele origin: germline.
Comment: Identified in a patient with sudden unexplained death and aneurysm in published literature (PMID: 29907982); Not observed at significant frequency in large population cohorts (gnomAD); In silico analysis supports that this missense variant has a deleterious effect on protein structure/function; This variant is associated with the following publications: (PMID: 29907982)

Ambry Genetics
Classification: Uncertain significance for Familial thoracic aortic aneurysm and aortic dissection. Last evaluated: 2026-04-01. Review status: criteria provided, single submitter. Criteria: Ambry Variant Classification Scheme 2023. Collection method: clinical testing. Allele origin: germline.
Comment: The p.V134A variant (also known as c.401T>C) is located in coding exon 3 of the SMAD3 gene. The valine at codon 134 is replaced by alanine, an amino acid with similar properties. This change occurs in the first base pair of coding exon 3. This variant was reported in individual(s) with features consistent with thoracic aortic disorders (Overwater E et al. Hum Mutat, 2018 Sep;39:1173-1192). This amino acid position is well conserved in available vertebrate species. In addition, the in silico prediction for this alteration is inconclusive. Based on the available evidence, the clinical significance of this variant remains unclear.

All of Us Research Program, National Institutes of Health
Classification: Uncertain significance for Aneurysm-osteoarthritis syndrome. Last evaluated: 2023-12-01. Review status: criteria provided, single submitter. Criteria: ACMG Guidelines, 2015. Collection method: clinical testing. Allele origin: germline. Inheritance: Autosomal dominant inheritance. Observed: 3 variant alleles, 3 heterozygotes.
Comment: This missense variant replaces valine with alanine at codon 134 of the SMAD3 protein. Computational prediction suggests that this variant may not impact protein structure and function (internally defined REVEL score threshold <= 0.5, PMID: 27666373). To our knowledge, functional studies have not been reported for this variant. This variant has not been reported in individuals affected with cardiovascular disorders in the literature. This variant has been identified in 2/251296 chromosomes in the general population by the Genome Aggregation Database (gnomAD). The available evidence is insufficient to determine the role of this variant in disease conclusively. Therefore, this variant is classified as a Variant of Uncertain Significance.

This study involves interpretation of variants in research participants for the purpose of population health screening. Participant phenotype was not available at the time of variant classification. Additional details can be found in publication PMID: 35346344, PMCID: PMC8962531

Color Diagnostics, LLC DBA Color Health
Classification: Uncertain significance for Familial thoracic aortic aneurysm and aortic dissection. Last evaluated: 2023-01-27. Review status: criteria provided, single submitter. Criteria: ACMG Guidelines, 2015. Collection method: clinical testing. Allele origin: germline.
Comment: This missense variant replaces valine with alanine at codon 134 of the SMAD3 protein. Computational prediction suggests that this variant may not impact protein structure and function (internally defined REVEL score threshold <= 0.5, PMID: 27666373). To our knowledge, functional studies have not been reported for this variant. This variant has not been reported in individuals affected with SMAD3-related disorders in the literature. This variant has been identified in 2/251296 chromosomes in the general population by the Genome Aggregation Database (gnomAD). The available evidence is insufficient to determine the role of this variant in disease conclusively. Therefore, this variant is classified as a Variant of Uncertain Significance.

Labcorp Genetics (formerly Invitae), Labcorp
Classification: Uncertain significance for Familial thoracic aortic aneurysm and aortic dissection. Last evaluated: 2022-05-23. Review status: criteria provided, single submitter. Criteria: Invitae Variant Classification Sherloc (09022015). Collection method: clinical testing. Allele origin: germline.
Comment: This sequence change replaces valine, which is neutral and non-polar, with alanine, which is neutral and non-polar, at codon 134 of the SMAD3 protein (p.Val134Ala). In summary, the available evidence is currently insufficient to determine the role of this variant in disease. Therefore, it has been classified as a Variant of Uncertain Significance. Algorithms developed to predict the effect of missense changes on protein structure and function are either unavailable or do not agree on the potential impact of this missense change (SIFT: "Not Available"; PolyPhen-2: "Benign"; Align-GVGD: "Not Available"). ClinVar contains an entry for this variant (Variation ID: 213804). This missense change has been observed in individual(s) with clinical features of SMAD3-related conditions (PMID: 29907982). This variant is present in population databases (no rsID available, gnomAD 0.002%).

Clinical Genetics DNA and cytogenetics Diagnostics Lab, Erasmus MC, Erasmus Medical Center
Classification: Uncertain significance. Review status: no assertion criteria provided. Collection method: clinical testing. Allele origin: germline. Affected: yes. Study: VKGL Data-share Consensus. Not counted in ClinVar's aggregate classification.

Genome Diagnostics Laboratory, Amsterdam University Medical Center
Classification: Uncertain significance. Review status: no assertion criteria provided. Collection method: clinical testing. Allele origin: germline. Affected: yes. Study: VKGL Data-share Consensus. Not counted in ClinVar's aggregate classification.

Literature cited by the submitters: PubMed 29907982 (cited by Ambry Genetics and Labcorp Genetics (formerly Invitae), Labcorp).